The following is an entry in ClinVar:

ClinVar aggregate classification (germline): Uncertain significance. Review status: criteria provided, multiple submitters, no conflicts (2 of 4 stars). 5 submissions from 5 submitters: Uncertain significance (5). Last evaluated 2024-11-04.

Conditions:
ALG12-congenital disorder of glycosylation (CDG1G). Also called: CDG Ig; ALG12-CDG; Congenital disorder of glycosylation, type Ig. Identifiers: Orphanet 79324, MedGen C2931001, MONDO:0011783, OMIM 607143.

Allele frequency attached by ClinVar (database versions not stated): TOPMed below 0.00001; gnomAD exomes 0.00001 and 0.00003; ExAC 0.00002; gnomAD 0.00003.

Submissions (5):

Women's Health and Genetics/Laboratory Corporation of America, LabCorp
Classification: Uncertain significance. Last evaluated: 2024-11-04. Review status: criteria provided, single submitter. Criteria: LabCorp Variant Classification Summary - May 2015. Collection method: clinical testing. Allele origin: germline.
Comment: Variant summary: ALG12 c.931C>T (p.Arg311Cys) results in a non-conservative amino acid change in the encoded protein sequence. Five of five in-silico tools predict a damaging effect of the variant on protein function. The variant allele was found at a frequency of 1.2e-05 in 251328 control chromosomes (gnomAD). The available data on variant occurrences in the general population are insufficient to allow any conclusion about variant significance. c.931C>T has been reported in the literature in an individual affected with ALG12-Congenital Disorder Of Glycosylation (Eklund_2005). These data do not allow any conclusion about variant significance. To our knowledge, no experimental evidence demonstrating an impact on protein function has been reported. The following publication has been ascertained in the context of this evaluation (PMID: 15639192). ClinVar contains an entry for this variant (Variation ID: 377465). Based on the evidence outlined above, the variant was classified as uncertain significance.

Labcorp Genetics (formerly Invitae), Labcorp
Classification: Uncertain significance for ALG12-congenital disorder of glycosylation. Last evaluated: 2024-10-30. Review status: criteria provided, single submitter. Criteria: Invitae Variant Classification Sherloc (09022015). Collection method: clinical testing. Allele origin: germline.
Comment: This sequence change replaces arginine, which is basic and polar, with cysteine, which is neutral and slightly polar, at codon 311 of the ALG12 protein (p.Arg311Cys). This variant is present in population databases (rs746215829, gnomAD 0.005%). This missense change has been observed in individual(s) with ALG12-congenital disorder of glycosylation (CDG-Ig) (PMID: 15639192). ClinVar contains an entry for this variant (Variation ID: 377465). Invitae Evidence Modeling of protein sequence and biophysical properties (such as structural, functional, and spatial information, amino acid conservation, physicochemical variation, residue mobility, and thermodynamic stability) indicates that this missense variant is expected to disrupt ALG12 protein function with a positive predictive value of 80%. In summary, the available evidence is currently insufficient to determine the role of this variant in disease. Therefore, it has been classified as a Variant of Uncertain Significance.

GeneDx
Classification: Uncertain significance. Last evaluated: 2019-07-13. Review status: criteria provided, single submitter. Criteria: GeneDx Variant Classification Process June 2021. Collection method: clinical testing. Allele origin: germline. Affected: yes.
Comment: Reported previously, in the compound heterozygous state with another missense variant, in a patient with congenital disorder of glycosylation type Ig (CDG-Ig) (Eklund et al., 2005); Complementation studies demonstrated that wild-type hALG12 was able to correct the biochemical phenotype in fibroblast cells from the affected individual; however functional analysis specifically showing pathogenicity of the R311C variant was not performed and additional studies are needed to validate the functional effect of this specific variant in vivo (Eklund et al., 2005); Not observed at a significant frequency in large population cohorts (Lek et al., 2016); In silico analysis, which includes protein predictors and evolutionary conservation, supports a deleterious effect; This variant is associated with the following publications: (PMID: 15639192)

Fulgent Genetics
Classification: Uncertain significance for ALG12-congenital disorder of glycosylation. Last evaluated: 2018-10-31. Review status: criteria provided, single submitter. Criteria: ACMG Guidelines, 2015. Collection method: clinical testing. Allele origin: unknown.

Mayo Clinic Laboratories, Mayo Clinic
Classification: Uncertain significance for ALG12-congenital disorder of glycosylation. Last evaluated: 2017-09-21. Review status: criteria provided, single submitter. Criteria: ACMG Guidelines, 2015. Collection method: clinical testing. Allele origin: paternal.

Literature cited by the submitters: PubMed 15639192 (cited by Women's Health and Genetics/Laboratory Corporation of America, LabCorp and Labcorp Genetics (formerly Invitae), Labcorp).

NM_024105.4(ALG12):c.931C>T (p.Arg311Cys)

Gene: ALG12 (ALG12 alpha-1,6-mannosyltransferase; minus strand). Cytogenetic location: 22q13.33.
Variant type: single nucleotide variant.
Coding change: c.931C>T on transcript NM_024105.4 (MANE Select); coding-DNA position 931, C replaced by T.
Protein change: p.Arg311Cys; replaces arginine 311 with cysteine.
Molecular consequence: missense variant.
Genome position (GRCh38, 1-based): chr22:49,907,782, G>A on the plus strand (C>T on the coding strand, the complement: ALG12 is on the minus strand). VCF-style: chr22-49907782-G-A. GRCh37 (hg19) VCF-style: chr22-50301430-G-A.
Other names: short protein forms R311C.
Identifiers: ClinVar variation 377465 (VCV000377465.12), dbSNP rs746215829, ClinGen allele CA10300401.